The following is an entry in ClinVar:

ClinVar aggregate classification (germline): Pathogenic (1 of 4 stars; one submission).

Allele frequency attached by ClinVar (database versions not stated): TOPMed below 0.00001.
gnomAD v4.1: 9 of 1,613,018 alleles (0.00056%); highest among the groups gnomAD compares: African/African-American, 0.0013%; no homozygotes.

Submission:

Labcorp Genetics (formerly Invitae), Labcorp
Classification: Pathogenic. Last evaluated: 2025-06-17. Review status: criteria provided, single submitter. Criteria: Invitae Variant Classification Sherloc (09022015). Collection method: clinical testing. Allele origin: germline.
Comment: This sequence change creates a premature translational stop signal (p.Cys327*) in the LAMC3 gene. It is expected to result in an absent or disrupted protein product. Loss-of-function variants in LAMC3 are known to be pathogenic (PMID: 21572413, 26802095). This variant is not present in population databases (gnomAD no frequency). This variant has not been reported in the literature in individuals affected with LAMC3-related conditions. ClinVar contains an entry for this variant (Variation ID: 2183442). For these reasons, this variant has been classified as Pathogenic.

Literature cited by the submitters: PubMed 21572413; PubMed 26802095.

NM_006059.4(LAMC3):c.981C>A (p.Cys327Ter)

Gene: LAMC3 (laminin subunit gamma 3; plus strand). Cytogenetic location: 9q34.12.
Variant type: single nucleotide variant.
Coding change: c.981C>A on transcript NM_006059.4 (MANE Select); coding-DNA position 981, C replaced by A.
Protein change: p.Cys327Ter; replaces cysteine 327 with a stop codon.
Molecular consequence: nonsense.
Genome position (GRCh38, 1-based): chr9:131,038,868, C>A. VCF-style: chr9-131038868-C-A. GRCh37 (hg19) VCF-style: chr9-133914255-C-A.
Other names: short protein forms C327*.
Identifiers: ClinVar variation 2183442 (VCV002183442.4), dbSNP rs1833990360, ClinGen allele CA375258251.